The following is an entry in ClinVar:

NM_001375834.1(WIPF1):c.469C>T (p.His157Tyr)

Gene: WIPF1 (WAS/WASL interacting protein family member 1; minus strand). Cytogenetic location: 2q31.1.
Variant type: single nucleotide variant.
Coding change: c.469C>T on transcript NM_001375834.1 (MANE Select); coding-DNA position 469, C replaced by T.
Protein change: p.His157Tyr; replaces histidine 157 with tyrosine.
Molecular consequence: missense variant. On other transcripts: intron variant (1).
Genome position (GRCh38, 1-based): chr2:174,572,336, G>A on the plus strand (C>T on the coding strand, the complement: WIPF1 is on the minus strand). VCF-style: chr2-174572336-G-A. GRCh37 (hg19) VCF-style: chr2-175437064-G-A.
Other names: c.469C>T, p.His157Tyr (NM_001077269.1, NM_001375832.1, NM_001375833.1 and 5 more transcripts); c.182-91C>T (NM_001375839.1); short protein forms H157Y.
Identifiers: ClinVar variation 1466371 (VCV001466371.5), dbSNP rs1358662433, ClinGen allele CA349343393.

ClinVar aggregate classification (germline): Uncertain significance (1 of 4 stars; one submission).

Conditions:
Wiskott-Aldrich syndrome 2 (WAS2). Also called: WIPF1 DEFICIENCY. Identifiers: Orphanet 906, MedGen C3281001, MONDO:0013779, OMIM 614493.

Allele frequency attached by ClinVar (database versions not stated): gnomAD exomes below 0.00001; TOPMed 0.00001; 1000 Genomes Project 30x 0.00016.

Submission:

Labcorp Genetics (formerly Invitae), Labcorp
Classification: Uncertain significance for Wiskott-Aldrich syndrome 2. Last evaluated: 2024-02-17. Review status: criteria provided, single submitter. Criteria: Invitae Variant Classification Sherloc (09022015). Collection method: clinical testing. Allele origin: germline.
Comment: This sequence change replaces histidine, which is basic and polar, with tyrosine, which is neutral and polar, at codon 157 of the WIPF1 protein (p.His157Tyr). This variant is present in population databases (no rsID available, gnomAD 0.003%). This variant has not been reported in the literature in individuals affected with WIPF1-related conditions. ClinVar contains an entry for this variant (Variation ID: 1466371). An algorithm developed to predict the effect of missense changes on protein structure and function (PolyPhen-2) suggests that this variant is likely to be tolerated. In summary, the available evidence is currently insufficient to determine the role of this variant in disease. Therefore, it has been classified as a Variant of Uncertain Significance.